The following is an entry in ClinVar:

ClinVar aggregate classification (germline): Uncertain significance (1 of 4 stars; one submission).

Conditions:
Multiple endocrine neoplasia, type 1 (MEN1). Also called: Endocrine adenomatosis multiple; MEN 1; MEA I; MEN I; WERMER SYNDROME. Identifiers: Orphanet 652, MedGen C0025267, MeSH D018761, MONDO:0007540, OMIM 131100.

Submission:

Labcorp Genetics (formerly Invitae), Labcorp
Classification: Uncertain significance for Multiple endocrine neoplasia, type 1. Last evaluated: 2018-11-07. Review status: criteria provided, single submitter. Criteria: Invitae Variant Classification Sherloc (09022015). Collection method: clinical testing. Allele origin: germline.
Comment: In summary, the available evidence is currently insufficient to determine the role of this variant in disease. Therefore, it has been classified as a Variant of Uncertain Significance. Algorithms developed to predict the effect of missense changes on protein structure and function (SIFT, PolyPhen-2, Align-GVGD) all suggest that this variant is likely to be tolerated, but these predictions have not been confirmed by published functional studies and their clinical significance is uncertain. This variant has not been reported in the literature in individuals with MEN1-related disease. This variant is not present in population databases (ExAC no frequency). This sequence change replaces proline with serine at codon 71 of the MEN1 protein (p.Pro71Ser). The proline residue is moderately conserved and there is a moderate physicochemical difference between proline and serine.

NM_001370259.2(MEN1):c.211C>T (p.Pro71Ser)

Gene: MEN1 (menin 1; minus strand). Cytogenetic location: 11q13.1.
Variant type: single nucleotide variant.
Coding change: c.211C>T on transcript NM_001370259.2 (MANE Select); coding-DNA position 211, C replaced by T.
Protein change: p.Pro71Ser; replaces proline 71 with serine.
Molecular consequence: missense variant.
Genome position (GRCh38, 1-based): chr11:64,809,899, G>A on the plus strand (C>T on the coding strand, the complement: MEN1 is on the minus strand). VCF-style: chr11-64809899-G-A. GRCh37 (hg19) VCF-style: chr11-64577371-G-A.
Other names: c.211C>T, p.Pro71Ser (NM_000244.4, NM_001370251.2, NM_001370260.2 and 9 more transcripts); short protein forms P71S.
Identifiers: ClinVar variation 650572 (VCV000650572.7), dbSNP rs1592659522, ClinGen allele CA381187637.